The following is an entry in ClinVar:

NM_001009921.3(VPS8):c.2917C>G (p.Pro973Ala)

Gene: VPS8 (VPS8 subunit of CORVET complex; plus strand). Cytogenetic location: 3q27.2.
Variant type: single nucleotide variant.
Coding change: c.2917C>G on transcript NM_001009921.3 (MANE Select); coding-DNA position 2917, C replaced by G.
Protein change: p.Pro973Ala; replaces proline 973 with alanine.
Molecular consequence: missense variant. On other transcripts: non-coding transcript variant (1).
Genome position (GRCh38, 1-based): chr3:184,936,264, C>G. VCF-style: chr3-184936264-C-G. GRCh37 (hg19) VCF-style: chr3-184654052-C-G.
Other names: c.2917C>G, p.Pro973Ala (NM_001349292.2, NM_001349293.2, NM_001349294.2 and 1 more transcripts); c.2878C>G, p.Pro960Ala (NM_001349296.2); c.1198C>G, p.Pro400Ala (NM_001349297.2); c.1117C>G, p.Pro373Ala (NM_001349298.2); c.2911C>G, p.Pro971Ala (NM_015303.4); short protein forms P373A, P400A, P960A, P971A, P973A.
Identifiers: ClinVar variation 3035979 (VCV003035979.2), dbSNP rs200456100, ClinGen allele CA2738190.

ClinVar aggregate classification (germline): Likely benign (0 of 4 stars; one submission).

Conditions:
VPS8-related disorder. Also called: VPS8-related condition.

Allele frequency attached by ClinVar (database versions not stated): TOPMed 0.00012.
gnomAD v4.1: 334 of 1,609,928 alleles (0.021%); highest among the groups gnomAD compares: Non-Finnish European, 0.013%; no homozygotes.

Submission:

PreventionGenetics, part of Exact Sciences
Classification: Likely benign for VPS8-related condition. Last evaluated: 2021-03-02. Review status: no assertion criteria provided. Collection method: clinical testing. Allele origin: germline.
Comment: This variant is classified as likely benign based on ACMG/AMP sequence variant interpretation guidelines (Richards et al. 2015 PMID: 25741868, with internal and published modifications).